The following is an entry in ClinVar:

ClinVar aggregate classification (germline): Uncertain significance (1 of 4 stars; one submission).

Allele frequency attached by ClinVar (database versions not stated): TOPMed 0.00003; ESP Exome Variant Server 0.00008.
gnomAD v4.1: 19 of 1,613,812 alleles (0.0012%); highest among the groups gnomAD compares: South Asian, 0.0044%; no homozygotes.

Submission:

Labcorp Genetics (formerly Invitae), Labcorp
Classification: Uncertain significance. Last evaluated: 2024-11-04. Review status: criteria provided, single submitter. Criteria: Invitae Variant Classification Sherloc (09022015). Collection method: clinical testing. Allele origin: germline.
Comment: This sequence change creates a premature translational stop signal (p.Arg181*) in the MATN3 gene. It is expected to result in an absent or disrupted protein product. However, the current clinical and genetic evidence is not sufficient to establish whether loss-of-function variants in MATN3 cause disease. This variant is present in population databases (rs201329777, gnomAD 0.003%). This variant has not been reported in the literature in individuals affected with MATN3-related conditions. ClinVar contains an entry for this variant (Variation ID: 631839). In summary, the available evidence is currently insufficient to determine the role of this variant in disease. Therefore, it has been classified as a Variant of Uncertain Significance.

NM_002381.5(MATN3):c.541C>T (p.Arg181Ter)

Gene: MATN3 (matrilin 3; minus strand). Cytogenetic location: 2p24.1.
Variant type: single nucleotide variant.
Coding change: c.541C>T on transcript NM_002381.5 (MANE Select); coding-DNA position 541, C replaced by T.
Protein change: p.Arg181Ter; replaces arginine 181 with a stop codon.
Molecular consequence: nonsense.
Genome position (GRCh38, 1-based): chr2:20,005,993, G>A on the plus strand (C>T on the coding strand, the complement: MATN3 is on the minus strand). VCF-style: chr2-20005993-G-A. GRCh37 (hg19) VCF-style: chr2-20205754-G-A.
Other names: short protein forms R181*.
Identifiers: ClinVar variation 631839 (VCV000631839.6), dbSNP rs201329777, ClinGen allele CA1543954.
Genomic context (GRCh38, chr2:20,005,993, plus strand): 5'-CCTGGGGCCTCCCATCTGTAACAATGATGGCCACCTTAGGGATGTTAGAAGAGGGCTCTC[G>A]AGCCCCTGCCTCCACTGTGAAGGCTTCGTCCATTGCTGTCTGGATGGCTAGGCCTGACAT-3'